The following is an entry in ClinVar:

NM_177438.3(DICER1):c.5038A>C (p.Lys1680Gln)

Gene: DICER1 (dicer 1, ribonuclease III; minus strand). Cytogenetic location: 14q32.13.
Variant type: single nucleotide variant.
Coding change: c.5038A>C on transcript NM_177438.3 (MANE Select); coding-DNA position 5038, A replaced by C.
Protein change: p.Lys1680Gln; replaces lysine 1680 with glutamine.
Molecular consequence: missense variant.
Genome position (GRCh38, 1-based): chr14:95,095,882, T>G on the plus strand (A>C on the coding strand, the complement: DICER1 is on the minus strand). VCF-style: chr14-95095882-T-G. GRCh37 (hg19) VCF-style: chr14-95562219-T-G.
Other names: c.5038A>C, p.Lys1680Gln (NM_001195573.1, NM_001271282.3, NM_001291628.2 and 1 more transcripts); short protein forms K1680Q.
Identifiers: ClinVar variation 825389 (VCV000825389.13), dbSNP rs1060503639, ClinGen allele CA390866039.

ClinVar aggregate classification (germline): Uncertain significance. Review status: criteria provided, multiple submitters, no conflicts (2 of 4 stars). 2 submissions from 2 submitters: Uncertain significance (2). Last evaluated 2025-09-10.

Conditions:
Hereditary cancer-predisposing syndrome. Also called: Neoplastic Syndromes, Hereditary; Hereditary Cancer Syndrome; Hereditary neoplastic syndrome; Tumor predisposition. Identifiers: Orphanet 140162, MedGen C0027672, MeSH D009386, MONDO:0015356.
DICER1-related tumor predisposition. Also called: DICER1-related pleuropulmonary blastoma cancer predisposition syndrome; DICER1 syndrome. Identifiers: Orphanet 284343, MedGen C3839822, MONDO:0100216.

Allele frequency attached by ClinVar (database versions not stated): gnomAD 0.00001 and 0.00002.
gnomAD v4.1: 2 of 1,614,114 alleles (0.00012%); highest among the groups gnomAD compares: African/African-American, 0.0027%; no homozygotes.

Submissions (2):

Labcorp Genetics (formerly Invitae), Labcorp
Classification: Uncertain significance for DICER1-related tumor predisposition. Last evaluated: 2025-09-10. Review status: criteria provided, single submitter. Criteria: Invitae Variant Classification Sherloc (09022015). Collection method: clinical testing. Allele origin: germline.
Comment: This sequence change replaces lysine, which is basic and polar, with glutamine, which is neutral and polar, at codon 1680 of the DICER1 protein (p.Lys1680Gln). This variant is present in population databases (no rsID available, gnomAD 0.01%). This variant has not been reported in the literature in individuals affected with DICER1-related conditions. ClinVar contains an entry for this variant (Variation ID: 825389). Invitae Evidence Modeling of protein sequence and biophysical properties (such as structural, functional, and spatial information, amino acid conservation, physicochemical variation, residue mobility, and thermodynamic stability) indicates that this missense variant is not expected to disrupt DICER1 protein function with a negative predictive value of 95%. In summary, the available evidence is currently insufficient to determine the role of this variant in disease. Therefore, it has been classified as a Variant of Uncertain Significance.

Ambry Genetics
Classification: Uncertain significance for Hereditary cancer-predisposing syndrome. Last evaluated: 2022-08-10. Review status: criteria provided, single submitter. Criteria: Ambry Variant Classification Scheme 2023. Collection method: clinical testing. Allele origin: germline.
Comment: The p.K1680Q variant (also known as c.5038A>C), located in coding exon 22 of the DICER1 gene, results from an A to C substitution at nucleotide position 5038. The lysine at codon 1680 is replaced by glutamine, an amino acid with similar properties. This amino acid position is highly conserved in available vertebrate species. In addition, the in silico prediction for this alteration is inconclusive. Since supporting evidence is limited at this time, the clinical significance of this alteration remains unclear.